The following is an entry in ClinVar:

NM_000548.5(TSC2):c.648+19C>T

Gene: TSC2 (TSC complex subunit 2; plus strand). Cytogenetic location: 16p13.3.
Variant type: single nucleotide variant.
Coding change: c.648+19C>T on transcript NM_000548.5 (MANE Select); 19 bases into the intron after coding-DNA position 648, C replaced by T.
Molecular consequence: intron variant.
Genome position (GRCh38, 1-based): chr16:2,056,263, C>T. VCF-style: chr16-2056263-C-T. GRCh37 (hg19) VCF-style: chr16-2106264-C-T.
Other names: c.648+19C>T (NM_001114382.3, NM_021055.3, NM_001370405.1 and 3 more transcripts); c.537+19C>T (NM_001318827.2); c.48+19C>T (NM_001318831.2); c.501+19C>T (NM_001318829.2); c.681+19C>T (NM_001318832.2).
Identifiers: ClinVar variation 507751 (VCV000507751.8), dbSNP rs1196860918, ClinGen allele CA658798473.

ClinVar aggregate classification (germline): Likely benign. Review status: criteria provided, multiple submitters, no conflicts (2 of 4 stars). 2 submissions from 2 submitters: Likely benign (2). Last evaluated 2026-01-31.

Conditions:
Tuberous sclerosis 2 (TSC2). Identifiers: Orphanet 805, MedGen C1860707, MONDO:0013199, OMIM 613254.

Allele frequency attached by ClinVar (database versions not stated): gnomAD 0.00001; TOPMed 0.00001.
gnomAD v4.1: 6 of 1,613,828 alleles (0.00037%); highest among the groups gnomAD compares: Non-Finnish European, 0.00051%; no homozygotes.

Submissions (2):

Labcorp Genetics (formerly Invitae), Labcorp
Classification: Likely benign for Tuberous sclerosis 2. Last evaluated: 2026-01-31. Review status: criteria provided, single submitter. Criteria: Invitae Variant Classification Sherloc (09022015). Collection method: clinical testing. Allele origin: germline.

GeneDx
Classification: Likely benign. Last evaluated: 2017-03-02. Review status: criteria provided, single submitter. Criteria: GeneDx Variant Classification (06012015). Collection method: clinical testing. Allele origin: germline. Affected: yes.
Comment: This variant is considered likely benign or benign based on one or more of the following criteria: it is a conservative change, it occurs at a poorly conserved position in the protein, it is predicted to be benign by multiple in silico algorithms, and/or has population frequency not consistent with disease.